The following is an entry in ClinVar:

NM_012079.6(DGAT1):c.843del (p.Ile282fs)

Gene: DGAT1 (diacylglycerol O-acyltransferase 1; minus strand). Cytogenetic location: 8q24.3.
Variant type: Deletion.
Coding change: c.843del on transcript NM_012079.6 (MANE Select); coding-DNA position 843, one base deleted (G; older notation c.843delG).
Protein change: p.Ile282fs; shifts the reading frame from isoleucine 282.
Molecular consequence: frameshift variant.
Genome position (GRCh38, 1-based): chr8:144,317,926, C deleted on the plus strand (G on the coding strand, the reverse complement: DGAT1 is on the minus strand); the first of 2 consecutive C bases (chr8:144,317,926-144,317,927); deleting either gives the same sequence. VCF-style (leftmost placement, unchanged base first): chr8-144317925-TC-T. GRCh37 (hg19) VCF-style: chr8-145541588-TC-T.
Other names: short protein forms I282fs.
Identifiers: ClinVar variation 3655309 (VCV003655309.2).

ClinVar aggregate classification (germline): Pathogenic (1 of 4 stars; one submission).

Submission:

Labcorp Genetics (formerly Invitae), Labcorp
Classification: Pathogenic. Last evaluated: 2024-06-02. Review status: criteria provided, single submitter. Criteria: Invitae Variant Classification Sherloc (09022015). Collection method: clinical testing. Allele origin: germline.
Comment: This sequence change creates a premature translational stop signal (p.Ile282Serfs*14) in the DGAT1 gene. It is expected to result in an absent or disrupted protein product. Loss-of-function variants in DGAT1 are known to be pathogenic (PMID: 29604290). This variant is not present in population databases (gnomAD no frequency). This variant has not been reported in the literature in individuals affected with DGAT1-related conditions. For these reasons, this variant has been classified as Pathogenic.

Literature cited by the submitters: PubMed 29604290.